The following is an entry in ClinVar:

NM_000051.4(ATM):c.9033G>A (p.Met3011Ile)

Genes: ATM (ATM serine/threonine kinase; plus strand), C11orf65 (chromosome 11 open reading frame 65; minus strand). Cytogenetic location: 11q22.3.
Variant type: single nucleotide variant.
Coding change: c.9033G>A on transcript NM_000051.4 (MANE Select); coding-DNA position 9033, G replaced by A.
Protein change: p.Met3011Ile; replaces methionine 3011 with isoleucine.
Molecular consequence: missense variant. On other transcripts: intron variant (2).
Genome position (GRCh38, 1-based): chr11:108,365,370, G>A. VCF-style: chr11-108365370-G-A. GRCh37 (hg19) VCF-style: chr11-108236097-G-A.
Other names: c.9033G>A, p.Met3011Ile (NM_001351834.2); c.640+20550C>T (NM_001330368.2); c.694+20550C>T (NM_001351110.2); short protein forms M3011I.
Identifiers: ClinVar variation 2747988 (VCV002747988.3), dbSNP rs1565608982, ClinGen allele CA382531218.

ClinVar aggregate classification (germline): Uncertain significance (1 of 4 stars; one submission).

Conditions:
Ataxia-telangiectasia syndrome (AT). Also called: LOUIS-BAR SYNDROME; Cerebello-oculocutaneous telangiectasia; Immunodeficiency with ataxia telangiectasia; Ataxia telangiectasia (A-T); Ataxia-telangiectasia, complementation group D; AT, COMPLEMENTATION GROUP C. Identifiers: Orphanet 100, MedGen C0004135, MONDO:0008840, OMIM 208900.

Allele frequency attached by ClinVar (database versions not stated): gnomAD 0.00001.
gnomAD v4.1: 2 of 1,614,024 alleles (0.00012%); no homozygotes.

Submission:

Labcorp Genetics (formerly Invitae), Labcorp
Classification: Uncertain significance for Ataxia-telangiectasia syndrome. Last evaluated: 2025-04-13. Review status: criteria provided, single submitter. Criteria: Invitae Variant Classification Sherloc (09022015). Collection method: clinical testing. Allele origin: germline.
Comment: This sequence change replaces methionine, which is neutral and non-polar, with isoleucine, which is neutral and non-polar, at codon 3011 of the ATM protein (p.Met3011Ile). This variant is not present in population databases (gnomAD no frequency). This variant has not been reported in the literature in individuals affected with ATM-related conditions. ClinVar contains an entry for this variant (Variation ID: 2747988). Invitae Evidence Modeling of protein sequence and biophysical properties (such as structural, functional, and spatial information, amino acid conservation, physicochemical variation, residue mobility, and thermodynamic stability) indicates that this missense variant is not expected to disrupt ATM protein function with a negative predictive value of 95%. In summary, the available evidence is currently insufficient to determine the role of this variant in disease. Therefore, it has been classified as a Variant of Uncertain Significance.